The following is an entry in ClinVar:

ClinVar aggregate classification (germline): Uncertain significance (1 of 4 stars; one submission).

Conditions:
Metachromatic leukodystrophy (MLD). Also called: Arylsulfatase A Deficiency; SULFATIDE LIPIDOSIS; ARSA DEFICIENCY; CEREBROSIDE SULFATASE DEFICIENCY; Cerebral sclerosis diffuse metachromatic form; METACHROMATIC LEUKOENCEPHALOPATHY. Identifiers: Orphanet 512, MedGen C0023522, MONDO:0018868, OMIM 250100.

Allele frequency attached by ClinVar (database versions not stated): gnomAD exomes below 0.00001; TOPMed below 0.00001; ESP Exome Variant Server 0.00008.

Submission:

Labcorp Genetics (formerly Invitae), Labcorp
Classification: Uncertain significance for Metachromatic leukodystrophy. Last evaluated: 2021-08-28. Review status: criteria provided, single submitter. Criteria: Invitae Variant Classification Sherloc (09022015). Collection method: clinical testing. Allele origin: germline.
Comment: This sequence change replaces glycine with serine at codon 494 of the ARSA protein (p.Gly494Ser). The glycine residue is weakly conserved and there is a small physicochemical difference between glycine and serine. This variant is not present in population databases (ExAC no frequency). This variant has not been reported in the literature in individuals affected with ARSA-related conditions. Algorithms developed to predict the effect of missense changes on protein structure and function output the following: SIFT: "Tolerated"; PolyPhen-2: "Benign"; Align-GVGD: "Class C0". The serine amino acid residue is found in multiple mammalian species, which suggests that this missense change does not adversely affect protein function. Algorithms developed to predict the effect of sequence changes on RNA splicing suggest that this variant may create or strengthen a splice site. In summary, the available evidence is currently insufficient to determine the role of this variant in disease. Therefore, it has been classified as a Variant of Uncertain Significance.

NM_000487.6(ARSA):c.1480G>A (p.Gly494Ser)

Gene: ARSA (arylsulfatase A; minus strand). Cytogenetic location: 22q13.33.
Variant type: single nucleotide variant.
Coding change: c.1480G>A on transcript NM_000487.6 (MANE Select); coding-DNA position 1480, G replaced by A.
Protein change: p.Gly494Ser; replaces glycine 494 with serine.
Molecular consequence: missense variant.
Genome position (GRCh38, 1-based): chr22:50,625,195, C>T on the plus strand (G>A on the coding strand, the complement: ARSA is on the minus strand). VCF-style: chr22-50625195-C-T. GRCh37 (hg19) VCF-style: chr22-51063623-C-T.
Other names: c.1480G>A, p.Gly494Ser (NM_001085425.3, NM_001085426.3, NM_001085427.3); c.1222G>A, p.Gly408Ser (NM_001085428.3, NM_001362782.2); short protein forms G408S, G494S.
Identifiers: ClinVar variation 1000735 (VCV001000735.6), dbSNP rs144323513, ClinGen allele CA325531161.